The following is an entry in ClinVar:

ClinVar aggregate classification (germline): Pathogenic. Review status: criteria provided, multiple submitters, no conflicts (2 of 4 stars). 3 submissions from 3 submitters: Pathogenic (3). Last evaluated 2024-05-10.

Conditions:
Ataxia-telangiectasia syndrome (AT). Also called: AT, COMPLEMENTATION GROUP C; Ataxia-telangiectasia, complementation group D; ATAXIA-TELANGIECTASIA, COMPLEMENTATION GROUP A; ATAXIA-TELANGIECTASIA, FRESNO VARIANT; Ataxia-telangiectasia; Ataxia-telangiectasia, complementation group E. Identifiers: Orphanet 100, MedGen C0004135, MONDO:0008840, OMIM 208900.
Familial cancer of breast. Also called: hereditary breast carcinoma; BREAST CANCER, FAMILIAL; Hereditary breast cancer. Identifiers: Orphanet 227535, MedGen C0346153, MONDO:0016419, OMIM 114480. Disease mechanism: loss of function.
Hereditary cancer-predisposing syndrome. Also called: Tumor predisposition; Hereditary Cancer Syndrome; Hereditary neoplastic syndrome; Neoplastic Syndromes, Hereditary. Identifiers: Orphanet 140162, MedGen C0027672, MeSH D009386, MONDO:0015356.

Allele frequency attached by ClinVar (database versions not stated): gnomAD exomes below 0.00001.

Submissions (3):

Labcorp Genetics (formerly Invitae), Labcorp
Classification: Pathogenic for Ataxia-telangiectasia syndrome. Last evaluated: 2024-05-10. Review status: criteria provided, single submitter. Criteria: Invitae Variant Classification Sherloc (09022015). Collection method: clinical testing. Allele origin: germline.
Comment: This sequence change creates a premature translational stop signal (p.Tyr2755*) in the ATM gene. It is expected to result in an absent or disrupted protein product. Loss-of-function variants in ATM are known to be pathogenic (PMID: 23807571, 25614872). This variant is not present in population databases (gnomAD no frequency). This premature translational stop signal has been observed in individual(s) with ataxia-telangiectasia (PMID: 22213089). For these reasons, this variant has been classified as Pathogenic.

Ambry Genetics
Classification: Pathogenic for Hereditary cancer-predisposing syndrome. Last evaluated: 2024-03-22. Review status: criteria provided, single submitter. Criteria: Ambry Variant Classification Scheme 2023. Collection method: clinical testing. Allele origin: germline.
Comment: The c.8264dupA pathogenic mutation, located in coding exon 55 of the ATM gene, results from a duplication of A at nucleotide position 8264, causing a translational frameshift with a predicted alternate stop codon (p.Y2755*). This variant has been identified in the homozygous state in at least one individual diagnosed with ataxia telangiectasia (Verhagen MM et al. Hum Mutat, 2012 Mar;33:561-71). This variant was reported in multiple individuals with a personal and/or family history of breast and/or ovarian cancer (Churpek JE et al. Breast Cancer Res Treat, 2015 Jan;149:31-9; Hauke J et al. Cancer Med, 2018 Apr;7:1349-1358). This variant is considered to be rare based on population cohorts in the Genome Aggregation Database (gnomAD). In addition to the clinical data presented in the literature, this alteration is expected to result in loss of function by premature protein truncation or nonsense-mediated mRNA decay. As such, this alteration is interpreted as a disease-causing mutation.

Myriad Genetics, Inc.
Classification: Pathogenic for Familial cancer of breast. Last evaluated: 2024-02-01. Review status: criteria provided, single submitter. Criteria: Myriad Autosomal Dominant, Autosomal Recessive and X-Linked Classification Criteria (2023). Collection method: clinical testing. Allele origin: unknown.
Comment: This variant is considered pathogenic. This variant creates a termination codon and is predicted to result in premature protein truncation.

Literature cited by the submitters: PubMed 23807571 (cited by Labcorp Genetics (formerly Invitae), Labcorp); PubMed 25614872 (cited by Labcorp Genetics (formerly Invitae), Labcorp); PubMed 22213089 (cited by Labcorp Genetics (formerly Invitae), Labcorp and Ambry Genetics); PubMed 25428789 (cited by Ambry Genetics); PubMed 29522266 (cited by Ambry Genetics).

NM_000051.4(ATM):c.8264dup (p.Tyr2755Ter)

Genes: ATM (ATM serine/threonine kinase; plus strand), C11orf65 (chromosome 11 open reading frame 65; minus strand). Cytogenetic location: 11q22.3.
Variant type: Duplication.
Coding change: c.8264dup on transcript NM_000051.4 (MANE Select); coding-DNA position 8264, one base duplicated (A; older notation c.8264dupA).
Protein change: p.Tyr2755Ter; replaces tyrosine 2755 with a stop codon.
Molecular consequence: nonsense. On other transcripts: intron variant (2), frameshift variant (1).
Genome position (GRCh38, 1-based): chr11:108,335,957, A duplicated. VCF-style (leftmost placement, unchanged base first): chr11-108335956-T-TA. GRCh37 (hg19) VCF-style: chr11-108206683-T-TA.
Other names: c.8264dup, p.Tyr2755Ter (NM_001351834.2); c.641-26886dup (NM_001330368.2); c.695-665dup (NM_001351110.2); c.8264dupA (NM_000051.3); short protein forms Y2755*.
Identifiers: ClinVar variation 3148122 (VCV003148122.4), dbSNP rs2547349068, ClinGen allele CA2615863646.
Genomic context (GRCh38, chr11:108,335,956, plus strand): 5'-TGTAATACATTACTGCAGAGAAACACGGAAACTAGGAAGAGGAAATTAACTATCTGTACT[T>TA]ATAAGGTAACTATTTGTACTTCTGTTAGTTCACCAAAAACATATAAAAGATGCCATTTGG-3'